The following is an entry in ClinVar:

NM_015378.4(VPS13D):c.5009C>G (p.Ser1670Cys)

Gene: VPS13D (vacuolar protein sorting 13 homolog D; plus strand). Cytogenetic location: 1p36.22.
Variant type: single nucleotide variant.
Coding change: c.5009C>G on transcript NM_015378.4 (MANE Select); coding-DNA position 5009, C replaced by G.
Protein change: p.Ser1670Cys; replaces serine 1670 with cysteine.
Molecular consequence: missense variant.
Genome position (GRCh38, 1-based): chr1:12,283,111, C>G. VCF-style: chr1-12283111-C-G. GRCh37 (hg19) VCF-style: chr1-12343168-C-G.
Other names: c.5009C>G, p.Ser1670Cys (NM_018156.4); c.5009C>G (NM_015378.2, NM_015378.3); short protein forms S1670C.
Identifiers: ClinVar variation 1523528 (VCV001523528.8), dbSNP rs757949853, ClinGen allele CA602245.

ClinVar aggregate classification (germline): Uncertain significance. Review status: criteria provided, multiple submitters, no conflicts (2 of 4 stars). 3 submissions from 3 submitters: Uncertain significance (3). Last evaluated 2025-07-09.

Conditions:
VPS13D-related disorder. Also called: VPS13D-related condition.
Inborn genetic diseases. Identifiers: MedGen C0950123, MeSH D030342.

Allele frequency attached by ClinVar (database versions not stated): ExAC 0.00001; gnomAD exomes 0.00003; TOPMed 0.00003; gnomAD 0.00005.
gnomAD v4.1: 50 of 1,614,042 alleles (0.0031%); highest among the groups gnomAD compares: African/African-American, 0.004%; no homozygotes.

Submissions (3):

PreventionGenetics, part of Exact Sciences
Classification: Uncertain significance for VPS13D-related condition. Last evaluated: 2025-07-09. Review status: criteria provided, single submitter. Criteria: ACMG Guidelines, 2015. Collection method: clinical testing. Allele origin: germline.
Comment: The VPS13D c.5009C>G variant is predicted to result in the amino acid substitution p.Ser1670Cys. To our knowledge, this variant has not been reported in the literature. This variant is reported in 0.0062% of alleles in individuals of European (Non-Finnish) descent in gnomAD. At this time, the clinical significance of this variant is uncertain due to the absence of conclusive functional and genetic evidence.

Ambry Genetics
Classification: Uncertain significance for Inborn genetic diseases. Last evaluated: 2024-06-25. Review status: criteria provided, single submitter. Criteria: Ambry Variant Classification Scheme 2023. Collection method: clinical testing. Allele origin: germline.

Labcorp Genetics (formerly Invitae), Labcorp
Classification: Uncertain significance. Last evaluated: 2022-03-15. Review status: criteria provided, single submitter. Criteria: Invitae Variant Classification Sherloc (09022015). Collection method: clinical testing. Allele origin: germline.
Comment: In summary, the available evidence is currently insufficient to determine the role of this variant in disease. Therefore, it has been classified as a Variant of Uncertain Significance. Algorithms developed to predict the effect of missense changes on protein structure and function are either unavailable or do not agree on the potential impact of this missense change (SIFT: "Deleterious"; PolyPhen-2: "Probably Damaging"; Align-GVGD: "Class C0"). This variant has not been reported in the literature in individuals affected with VPS13D-related conditions. This variant is present in population databases (rs757949853, gnomAD 0.006%). This sequence change replaces serine, which is neutral and polar, with cysteine, which is neutral and slightly polar, at codon 1670 of the VPS13D protein (p.Ser1670Cys).